The following is an entry in ClinVar:

NM_000218.3(KCNQ1):c.1394-27670G>A

Genes: KCNQ1 (potassium voltage-gated channel subfamily Q member 1; plus strand), KCNQ1OT1 (KCNQ1 opposite strand/antisense transcript 1; minus strand). Cytogenetic location: 11p15.5.
Variant type: single nucleotide variant.
Coding change: c.1394-27670G>A on transcript NM_000218.3 (MANE Select); 27670 bases into the intron before coding-DNA position 1394, G replaced by A.
Molecular consequence: intron variant. On other transcripts: non-coding transcript variant (1).
Genome position (GRCh38, 1-based): chr11:2,634,291, G>A. VCF-style: chr11-2634291-G-A. GRCh37 (hg19) VCF-style: chr11-2655521-G-A.
Other names: c.1124-27670G>A (NM_001406837.1); c.1298-27670G>A (NM_001406836.1); c.854-27670G>A (NM_001406838.1); c.1013-27670G>A (NM_181798.2).
Identifiers: ClinVar variation 2641407 (VCV002641407.24), dbSNP rs187632288, ClinGen allele CA216148165.

ClinVar aggregate classification (germline): Likely benign (1 of 4 stars; one submission).

Allele frequency attached by ClinVar (database versions not stated): gnomAD exomes 0.00057; gnomAD 0.00279; TOPMed 0.00296; 1000 Genomes Project 0.00339; 1000 Genomes Project 30x 0.00484.
gnomAD v4.1: 531 of 332,370 alleles (0.16%); highest among the groups gnomAD compares: African/African-American, 0.92%; 6 homozygotes.

Submission:

CeGaT Center for Human Genetics Tuebingen
Classification: Likely benign. Last evaluated: 2026-05-01. Review status: criteria provided, single submitter. Criteria: CeGaT Center For Human Genetics Tuebingen Variant Classification Criteria Version 2. Collection method: clinical testing. Allele origin: germline. Affected: yes. Observed: 11 variant alleles.
Comment: KCNQ1OT1: BS2